The following is an entry in ClinVar:

ClinVar aggregate classification (germline): Uncertain significance (1 of 4 stars; one submission).

Conditions:
Charcot-Marie-Tooth disease type 4. Also called: Charcot-Marie-Tooth disease, type IV; Charcot-Marie-Tooth, Type 4. Identifiers: Orphanet 64749, MedGen C4082197, MONDO:0018995.

Allele frequency attached by ClinVar (database versions not stated): gnomAD exomes below 0.00001.
gnomAD v4.1: 1 of 1,613,324 alleles (0.000062%); highest among the groups gnomAD compares: Non-Finnish European, 0.000085%; no homozygotes.

Submission:

Labcorp Genetics (formerly Invitae), Labcorp
Classification: Uncertain significance for Charcot-Marie-Tooth disease type 4. Last evaluated: 2024-04-08. Review status: criteria provided, single submitter. Criteria: Invitae Variant Classification Sherloc (09022015). Collection method: clinical testing. Allele origin: germline.
Comment: This sequence change falls in intron 19 of the SBF2 gene. It does not directly change the encoded amino acid sequence of the SBF2 protein. This variant is not present in population databases (gnomAD no frequency). This variant has not been reported in the literature in individuals affected with SBF2-related conditions. ClinVar contains an entry for this variant (Variation ID: 1933026). Algorithms developed to predict the effect of sequence changes on RNA splicing suggest that this variant may create or strengthen a splice site. In summary, the available evidence is currently insufficient to determine the role of this variant in disease. Therefore, it has been classified as a Variant of Uncertain Significance.

NM_030962.4(SBF2):c.2363+15A>G

Genes: SBF2 (SET binding factor 2; minus strand), LOC101928008 (uncharacterized LOC101928008; plus strand). Cytogenetic location: 11p15.4.
Variant type: single nucleotide variant.
Coding change: c.2363+15A>G on transcript NM_030962.4 (MANE Select); 15 bases into the intron after coding-DNA position 2363, A replaced by G.
Molecular consequence: intron variant.
Genome position (GRCh38, 1-based): chr11:9,856,443, T>C on the plus strand (A>G on the coding strand, the complement: SBF2 is on the minus strand). VCF-style: chr11-9856443-T-C. GRCh37 (hg19) VCF-style: chr11-9877990-T-C.
Other names: c.2234+15A>G (NM_001386342.1); c.2363+15A>G (NM_001386339.1).
Identifiers: ClinVar variation 1933026 (VCV001933026.5), dbSNP rs2494900029, ClinGen allele CA2580085042.